The following is an entry in ClinVar:

ClinVar aggregate classification (germline): Uncertain significance. Review status: criteria provided, multiple submitters, no conflicts (2 of 4 stars). 3 submissions from 3 submitters: Uncertain significance (3). Last evaluated 2025-04-07.

Conditions:
Inborn genetic diseases. Identifiers: MedGen C0950123, MeSH D030342.

Allele frequency attached by ClinVar (database versions not stated): ExAC 0.00003; gnomAD exomes 0.00004 and 0.00008; 1000 Genomes Project 30x 0.00016; gnomAD 0.00019 and 0.00020; 1000 Genomes Project 0.00020; TOPMed 0.00020.
gnomAD v4.1: 81 of 1,614,010 alleles (0.005%); highest among the groups gnomAD compares: African/African-American, 0.06%; no homozygotes.

Submissions (3):

GeneDx
Classification: Uncertain significance. Last evaluated: 2025-04-07. Review status: criteria provided, single submitter. Criteria: GeneDx Variant Classification Process June 2021. Collection method: clinical testing. Allele origin: germline. Affected: yes.
Comment: Published functional studies suggest a damaging effect by impairing CAD activity (PMID: 37540500); In silico analysis indicates that this missense variant does not alter protein structure/function; This variant is associated with the following publications: (PMID: 39447673, 37540500)

Labcorp Genetics (formerly Invitae), Labcorp
Classification: Uncertain significance. Last evaluated: 2022-09-02. Review status: criteria provided, single submitter. Criteria: Invitae Variant Classification Sherloc (09022015). Collection method: clinical testing. Allele origin: germline.
Comment: This sequence change replaces arginine, which is basic and polar, with glutamine, which is neutral and polar, at codon 1617 of the CAD protein (p.Arg1617Gln). This variant is present in population databases (rs557875449, gnomAD 0.08%). This variant has not been reported in the literature in individuals affected with CAD-related conditions. ClinVar contains an entry for this variant (Variation ID: 654451). Algorithms developed to predict the effect of missense changes on protein structure and function are either unavailable or do not agree on the potential impact of this missense change (SIFT: "Tolerated"; PolyPhen-2: "Possibly Damaging"; Align-GVGD: "Class C0"). Algorithms developed to predict the effect of sequence changes on RNA splicing suggest that this variant may create or strengthen a splice site. In summary, the available evidence is currently insufficient to determine the role of this variant in disease. Therefore, it has been classified as a Variant of Uncertain Significance.

Ambry Genetics
Classification: Uncertain significance for Inborn genetic diseases. Last evaluated: 2022-06-09. Review status: criteria provided, single submitter. Criteria: Ambry Variant Classification Scheme 2023. Collection method: clinical testing. Allele origin: germline.

NM_004341.5(CAD):c.4850G>A (p.Arg1617Gln)

Gene: CAD (carbamoyl-phosphate synthetase 2, aspartate transcarbamylase, and dihydroorotase; plus strand). Cytogenetic location: 2p23.3.
Variant type: single nucleotide variant.
Coding change: c.4850G>A on transcript NM_004341.5 (MANE Select); coding-DNA position 4850, G replaced by A.
Protein change: p.Arg1617Gln; replaces arginine 1617 with glutamine.
Molecular consequence: missense variant.
Genome position (GRCh38, 1-based): chr2:27,238,177, G>A. VCF-style: chr2-27238177-G-A. GRCh37 (hg19) VCF-style: chr2-27461045-G-A.
Other names: c.4661G>A, p.Arg1554Gln (NM_001306079.2); c.4850G>A (NM_004341.3); short protein forms R1554Q, R1617Q.
Identifiers: ClinVar variation 654451 (VCV000654451.5), dbSNP rs557875449, ClinGen allele CA1573673.